The following is an entry in ClinVar:

NM_145290.4(ADGRA3):c.3827A>G (p.Asn1276Ser)

Gene: ADGRA3 (adhesion G protein-coupled receptor A3; minus strand). Cytogenetic location: 4p15.2.
Variant type: single nucleotide variant.
Coding change: c.3827A>G on transcript NM_145290.4 (MANE Select); coding-DNA position 3827, A replaced by G.
Protein change: p.Asn1276Ser; replaces asparagine 1276 with serine.
Molecular consequence: missense variant.
Genome position (GRCh38, 1-based): chr4:22,387,844, T>C on the plus strand (A>G on the coding strand, the complement: ADGRA3 is on the minus strand). VCF-style: chr4-22387844-T-C. GRCh37 (hg19) VCF-style: chr4-22389467-T-C.
Other names: short protein forms N1276S.
Identifiers: ClinVar variation 1476324 (VCV001476324.6), dbSNP rs2108988044, ClinGen allele CA356471594.
Genomic context (GRCh38, chr4:22,387,844, plus strand): 5'-CCATTGCTTTTAATTGGTCCATTCTGAATGGCCAAGTTGAGGCCATAAGATTTTTGCTGA[T>C]TTTCAAGTTCAACCACAGCTGGCTTCCTTAACGCATCTTTTTTACTAGTGGTTGAAACTG-3'
Protein context (NP_660333.2, residues 1266-1286): LRKPAVVELE[Asn1276Ser]QQKSYGLNLA

ClinVar aggregate classification (germline): Uncertain significance (1 of 4 stars; one submission).

Submission:

Labcorp Genetics (formerly Invitae), Labcorp
Classification: Uncertain significance. Last evaluated: 2022-10-24. Review status: criteria provided, single submitter. Criteria: Invitae Variant Classification Sherloc (09022015). Collection method: clinical testing. Allele origin: germline.
Comment: This variant is not present in population databases (gnomAD no frequency). This sequence change replaces asparagine, which is neutral and polar, with serine, which is neutral and polar, at codon 1276 of the ADGRA3 protein (p.Asn1276Ser). This variant has not been reported in the literature in individuals affected with ADGRA3-related conditions. ClinVar contains an entry for this variant (Variation ID: 1476324). Algorithms developed to predict the effect of missense changes on protein structure and function output the following: SIFT: "Tolerated"; PolyPhen-2: "Benign"; Align-GVGD: "Class C0". The serine amino acid residue is found in multiple mammalian species, which suggests that this missense change does not adversely affect protein function. In summary, the available evidence is currently insufficient to determine the role of this variant in disease. Therefore, it has been classified as a Variant of Uncertain Significance.